The following is an entry in ClinVar:

ClinVar aggregate classification (germline): Conflicting classifications of pathogenicity. Review status: criteria provided, conflicting classifications (1 of 4 stars). 2 submissions from 2 submitters: Uncertain significance (1); Likely benign (1). Last evaluated 2025-10-07.

Conditions:
Inborn genetic diseases. Identifiers: MedGen C0950123, MeSH D030342.
Autosomal dominant epilepsy with auditory features. Identifiers: Orphanet 101046, MedGen C1838062, MONDO:0010898.

Allele frequency attached by ClinVar (database versions not stated): gnomAD exomes 0.00002 and 0.00005; TOPMed 0.00002; ExAC 0.00001; gnomAD 0.00002; ESP Exome Variant Server 0.00015.

Submissions (2):

Ambry Genetics
Classification: Likely benign for Inborn genetic diseases. Last evaluated: 2025-10-07. Review status: criteria provided, single submitter. Criteria: Ambry Variant Classification Scheme 2023. Collection method: clinical testing. Allele origin: germline.

Labcorp Genetics (formerly Invitae), Labcorp
Classification: Uncertain significance for Autosomal dominant epilepsy with auditory features. Last evaluated: 2024-11-16. Review status: criteria provided, single submitter. Criteria: Invitae Variant Classification Sherloc (09022015). Collection method: clinical testing. Allele origin: germline.
Comment: This sequence change replaces histidine, which is basic and polar, with arginine, which is basic and polar, at codon 133 of the LGI1 protein (p.His133Arg). This variant is present in population databases (rs376452111, gnomAD 0.004%). This variant has not been reported in the literature in individuals affected with LGI1-related conditions. ClinVar contains an entry for this variant (Variation ID: 464749). Invitae Evidence Modeling of protein sequence and biophysical properties (such as structural, functional, and spatial information, amino acid conservation, physicochemical variation, residue mobility, and thermodynamic stability) indicates that this missense variant is not expected to disrupt LGI1 protein function with a negative predictive value of 80%. In summary, the available evidence is currently insufficient to determine the role of this variant in disease. Therefore, it has been classified as a Variant of Uncertain Significance.

NM_005097.4(LGI1):c.398A>G (p.His133Arg)

Gene: LGI1 (leucine rich glioma inactivated 1; plus strand). Cytogenetic location: 10q23.33.
Variant type: single nucleotide variant.
Coding change: c.398A>G on transcript NM_005097.4 (MANE Select); coding-DNA position 398, A replaced by G.
Protein change: p.His133Arg; replaces histidine 133 with arginine.
Molecular consequence: missense variant. On other transcripts: intron variant (1).
Genome position (GRCh38, 1-based): chr10:93,777,584, A>G. VCF-style: chr10-93777584-A-G. GRCh37 (hg19) VCF-style: chr10-95537341-A-G.
Other names: c.398A>G, p.His133Arg (NM_001308275.2); c.288-12515A>G (NM_001308276.2); short protein forms H133R.
Identifiers: ClinVar variation 464749 (VCV000464749.14), dbSNP rs376452111, ClinGen allele CA5611085.